The following is an entry in ClinVar:

ClinVar aggregate classification (germline): Uncertain significance (1 of 4 stars; one submission).

Allele frequency attached by ClinVar (database versions not stated): gnomAD 0.00001; TOPMed 0.00001; gnomAD exomes 0.00006; ExAC 0.00010.
gnomAD v4.1: 25 of 1,614,036 alleles (0.0015%); highest among the groups gnomAD compares: Non-Finnish European, 0.002%; no homozygotes.

Submission:

Labcorp Genetics (formerly Invitae), Labcorp
Classification: Uncertain significance. Last evaluated: 2023-08-17. Review status: criteria provided, single submitter. Criteria: Invitae Variant Classification Sherloc (09022015). Collection method: clinical testing. Allele origin: germline.
Comment: This variant is present in population databases (rs758431200, gnomAD 0.01%). This sequence change replaces threonine, which is neutral and polar, with arginine, which is basic and polar, at codon 1824 of the LAMA1 protein (p.Thr1824Arg). This variant has not been reported in the literature in individuals affected with LAMA1-related conditions. In summary, the available evidence is currently insufficient to determine the role of this variant in disease. Therefore, it has been classified as a Variant of Uncertain Significance. Advanced modeling of protein sequence and biophysical properties (such as structural, functional, and spatial information, amino acid conservation, physicochemical variation, residue mobility, and thermodynamic stability) performed at Invitae indicates that this missense variant is not expected to disrupt LAMA1 protein function. ClinVar contains an entry for this variant (Variation ID: 1472396).

NM_005559.4(LAMA1):c.5471C>G (p.Thr1824Arg)

Gene: LAMA1 (laminin subunit alpha 1; minus strand). Cytogenetic location: 18p11.31.
Variant type: single nucleotide variant.
Coding change: c.5471C>G on transcript NM_005559.4 (MANE Select); coding-DNA position 5471, C replaced by G.
Protein change: p.Thr1824Arg; replaces threonine 1824 with arginine.
Molecular consequence: missense variant.
Genome position (GRCh38, 1-based): chr18:6,985,552, G>C on the plus strand (C>G on the coding strand, the complement: LAMA1 is on the minus strand). VCF-style: chr18-6985552-G-C. GRCh37 (hg19) VCF-style: chr18-6985551-G-C.
Other names: short protein forms T1824R.
Identifiers: ClinVar variation 1472396 (VCV001472396.8), dbSNP rs758431200, ClinGen allele CA8881593.